The following is an entry in ClinVar:

ClinVar aggregate classification (germline): Likely pathogenic (1 of 4 stars; one submission).

Conditions:
Niemann-Pick disease, type C1. Also called: NIEMANN-PICK DISEASE, VARIANT TYPE C1; NEUROVISCERAL STORAGE DISEASE WITH VERTICAL SUPRANUCLEAR OPHTHALMOPLEGIA; NIEMANN-PICK DISEASE WITH CHOLESTEROL ESTERIFICATION BLOCK; NIEMANN-PICK DISEASE WITHOUT SPHINGOMYELINASE DEFICIENCY; NIEMANN-PICK DISEASE, CHRONIC NEURONOPATHIC FORM. Identifiers: Orphanet 646, MedGen C3179455, MONDO:0009757, OMIM 257220.

Submission:

Natera, Inc.
Classification: Likely pathogenic for Niemann-Pick disease type C1. Last evaluated: 2025-11-12. Review status: criteria provided, single submitter. Criteria: Natera Variant Classification Schema (03/2026). Collection method: clinical testing. Allele origin: germline.
Comment: The c.511_512del variant in NPC1 is a frameshift variant predicted to shift the reading frame beginning at codon 171 and leads to a stop codon 11 codons downstream. This variant is expected to result in nonsense mediated decay, truncation, or a dysfunctional protein product. This variant is rare in the general population with a frequency below the threshold expected for the associated phenotype(s). Given the available evidence, this variant is classified as Likely Pathogenic.

NM_000271.5(NPC1):c.511_512del (p.Lys171fs)

Gene: NPC1 (NPC intracellular cholesterol transporter 1; minus strand). Cytogenetic location: 18q11.2.
Variant type: Deletion.
Coding change: c.511_512del on transcript NM_000271.5 (MANE Select); coding-DNA positions 511 to 512, 2 bases deleted (AA; older notation c.511_512delAA).
Protein change: p.Lys171fs; shifts the reading frame from lysine 171.
Molecular consequence: frameshift variant.
Genome position (GRCh38, 1-based): chr18:23,561,479-23,561,480, TT deleted on the plus strand (AA on the coding strand, the reverse complement: NPC1 is on the minus strand). VCF-style (leftmost placement, unchanged base first): chr18-23561478-CTT-C. GRCh37 (hg19) VCF-style: chr18-21141442-CTT-C.
Other names: short protein forms K171fs.
Identifiers: ClinVar variation 4818072 (VCV004818072.1).
Genomic context (GRCh38, chr18:23,561,478, plus strand): 5'-TTCAATCCAGTTGGTGGCATTACAGGCGTCAGCGTCCTTCCCACACAGGAGTCCCAGGGC[CTT>C]GTCATTACTTGAGGGGGCCTCCACATCCCGGCAGGCATTGTACATTGCTAGAAGAGGAAA-3'